The following is an entry in ClinVar:

ClinVar aggregate classification (germline): Conflicting classifications of pathogenicity. Review status: criteria provided, conflicting classifications (1 of 4 stars). 2 submissions from 2 submitters: Uncertain significance (1); Likely benign (1). Last evaluated 2025-06-17.

Conditions:
Cardiomyopathy (CMYO). Also called: Cardiomyopathies. Identifiers: Orphanet 167848, MedGen C0878544, MONDO:0004994, HP:0001638. Inheritance: Various modes of inheritance.
Hypertrophic cardiomyopathy. Also called: HYPERTROPHIC MYOCARDIOPATHY. Identifiers: Orphanet 217569, MedGen C0007194, MeSH D002312, MONDO:0005045, HP:0001639.

Submissions (2):

Color Diagnostics, LLC DBA Color Health
Classification: Uncertain significance for Cardiomyopathy. Last evaluated: 2025-06-17. Review status: criteria provided, single submitter. Criteria: ACMG Guidelines, 2015. Collection method: clinical testing. Allele origin: germline.
Comment: This variant is located in the MYBPC3 protein. To our knowledge, functional studies have not been reported for this variant. This variant has not been reported in individuals affected with MYBPC3-related disorders in the literature. This variant has not been identified in the general population by the Genome Aggregation Database (gnomAD). The available evidence is insufficient to determine the role of this variant in disease conclusively. Therefore, this variant is classified as a Variant of Uncertain Significance.

Labcorp Genetics (formerly Invitae), Labcorp
Classification: Likely benign for Hypertrophic cardiomyopathy. Last evaluated: 2024-01-24. Review status: criteria provided, single submitter. Criteria: Invitae Variant Classification Sherloc (09022015). Collection method: clinical testing. Allele origin: germline.

NM_000256.3(MYBPC3):c.408G>A (p.Gly136=)

Gene: MYBPC3 (myosin binding protein C3; minus strand). Cytogenetic location: 11p11.2.
Variant type: single nucleotide variant.
Coding change: c.408G>A on transcript NM_000256.3 (MANE Select); coding-DNA position 408, G replaced by A.
Protein change: p.Gly136=; no amino-acid change (glycine 136 retained).
Molecular consequence: synonymous variant.
Genome position (GRCh38, 1-based): chr11:47,350,111, C>T on the plus strand (G>A on the coding strand, the complement: MYBPC3 is on the minus strand). VCF-style: chr11-47350111-C-T. GRCh37 (hg19) VCF-style: chr11-47371662-C-T.
Identifiers: ClinVar variation 2900819 (VCV002900819.4), dbSNP rs1057520977, ClinGen allele CA474221895.
Genomic context (GRCh38, chr11:47,350,111, plus strand): 5'-GAGGCCAATGGGGTCATCGGGGGCTCCAGGGGTAGGACCATTGAGAGCTGCTGAGCTTGA[C>T]CCTGTGAGCAAAGGCTTTTTCTGTTTGTTTGAGATGGAGTCTTGCTCTGTCACCCAGGCT-3'
Protein context (NP_000247.2, residues 126-146): ELGESAPSPK[Gly136=]SSSAALNGPT